The following is an entry in ClinVar:

ClinVar aggregate classification (germline): Uncertain significance. Review status: criteria provided, multiple submitters, no conflicts (2 of 4 stars). 4 submissions from 4 submitters: Uncertain significance (4). Last evaluated 2025-10-07.

Conditions:
Inborn genetic diseases. Identifiers: MedGen C0950123, MeSH D030342.

Allele frequency attached by ClinVar (database versions not stated): gnomAD 0.00002; TOPMed 0.00004; ExAC 0.00012.

Submissions (4):

Women's Health and Genetics/Laboratory Corporation of America, LabCorp
Classification: Uncertain significance. Last evaluated: 2025-10-07. Review status: criteria provided, single submitter. Criteria: LabCorp Variant Classification Summary - May 2015. Collection method: clinical testing. Allele origin: germline.
Comment: Variant summary: FGB c.140G>A (p.Arg47Gln) results in a conservative amino acid change in the encoded protein sequence. Algorithms developed to predict the effect of missense changes on protein structure and function are either unavailable or do not agree on the potential impact of this missense change. The variant allele was found at a frequency of 0.00011 in 248918 control chromosomes, predominantly at a frequency of 0.00078 within the Latino subpopulation in the gnomAD database. This frequency is not significantly higher than estimated for disease-causing variants in FGB, allowing no conclusion about variant significance. To our knowledge, no occurrence of c.140G>A in individuals affected with FGB-related conditions and no experimental evidence demonstrating its impact on protein function have been reported. ClinVar contains an entry for this variant (Variation ID: 2139267). Based on the evidence outlined above, the variant was classified as uncertain significance.

Ambry Genetics
Classification: Uncertain significance for Inborn genetic diseases. Last evaluated: 2024-06-16. Review status: criteria provided, single submitter. Criteria: Ambry Variant Classification Scheme 2023. Collection method: clinical testing. Allele origin: germline.

Labcorp Genetics (formerly Invitae), Labcorp
Classification: Uncertain significance. Last evaluated: 2022-07-16. Review status: criteria provided, single submitter. Criteria: Invitae Variant Classification Sherloc (09022015). Collection method: clinical testing. Allele origin: germline.
Comment: This sequence change replaces arginine, which is basic and polar, with glutamine, which is neutral and polar, at codon 47 of the FGB protein (p.Arg47Gln). This variant is present in population databases (rs775891227, gnomAD 0.08%). This variant has not been reported in the literature in individuals affected with FGB-related conditions. Algorithms developed to predict the effect of missense changes on protein structure and function are either unavailable or do not agree on the potential impact of this missense change (SIFT: "Deleterious"; PolyPhen-2: "Probably Damaging"; Align-GVGD: "Class C0"). In summary, the available evidence is currently insufficient to determine the role of this variant in disease. Therefore, it has been classified as a Variant of Uncertain Significance.

Blueprint Genetics
Classification: Uncertain significance. Last evaluated: 2019-12-05. Review status: criteria provided, single submitter. Criteria: ACMG Guidelines, 2015. Collection method: clinical testing. Allele origin: germline.

NM_005141.5(FGB):c.140G>A (p.Arg47Gln)

Gene: FGB (fibrinogen beta chain; plus strand). Cytogenetic location: 4q31.3.
Variant type: single nucleotide variant.
Coding change: c.140G>A on transcript NM_005141.5 (MANE Select); coding-DNA position 140, G replaced by A.
Protein change: p.Arg47Gln; replaces arginine 47 with glutamine.
Molecular consequence: missense variant.
Genome position (GRCh38, 1-based): chr4:154,565,833, G>A. VCF-style: chr4-154565833-G-A. GRCh37 (hg19) VCF-style: chr4-155486985-G-A.
Other names: c.140G>A, p.Arg47Gln (NM_001184741.1, NM_001382759.1, NM_001382760.1 and 5 more transcripts); short protein forms R47Q.
Identifiers: ClinVar variation 2139267 (VCV002139267.7), dbSNP rs775891227, ClinGen allele CA3114459.